The following is an entry in ClinVar:

NM_001101426.4(CRPPA):c.-14_10del (p.Met1_Gly4del)

Genes: CRPPA (CDP-L-ribitol pyrophosphorylase A; minus strand), LOC129998005 (ATAC-STARR-seq lymphoblastoid silent region 17982; plus strand). Cytogenetic location: 7p21.2.
Variant type: Deletion.
Coding change: c.-14_10del on transcript NM_001101426.4 (MANE Select); 14 bases upstream of the start codon through coding-DNA position 10, 24 bases deleted (TTCCGCCCGCAGCCATGGAGGCCG).
Protein change: p.Met1_Gly4del.
Molecular consequence: inframe deletion, initiator codon variant. On other transcripts: non-coding transcript variant (1).
Genome position (GRCh38, 1-based): chr7:16,421,313-16,421,336, CGGCCTCCATGGCTGCGGGCGGAA deleted on the plus strand (TTCCGCCCGCAGCCATGGAGGCCG on the coding strand, the reverse complement: CRPPA is on the minus strand); deleting any 24 consecutive bases within chr7:16,421,313-16,421,340 gives the same sequence; the c. name uses the placement nearest the transcript's 3' end. VCF-style (leftmost placement, unchanged base first): chr7-16421312-CCGGCCTCCATGGCTGCGGGCGGAA-C. GRCh37 (hg19) VCF-style: chr7-16460937-CCGGCCTCCATGGCTGCGGGCGGAA-C.
Other names: c.-14_10del, p.Met1_Gly4del (NM_001101417.4, NM_001368197.1).
Identifiers: ClinVar variation 2022451 (VCV002022451.5), dbSNP rs1788334011, ClinGen allele CA1690873723.

ClinVar aggregate classification (germline): Uncertain significance (1 of 4 stars; one submission).

Conditions:
Autosomal recessive limb-girdle muscular dystrophy type 2U. Also called: Muscular dystrophy-dystroglycanopathy (limb-girdle), type c, 7; MUSCULAR DYSTROPHY, LIMB-GIRDLE, TYPE 2U. Identifiers: Orphanet 352479, MedGen C5190987, MONDO:0014474, OMIM 616052.
Muscular dystrophy-dystroglycanopathy (congenital with brain and eye anomalies), type A, 7. Also called: WALKER-WARBURG SYNDROME OR MUSCLE-EYE-BRAIN DISEASE, ISPD-RELATED; Congenital muscular dystrophy-dystroglycanopathy with brain and eye anomalies, type A7. Identifiers: Orphanet 899, MedGen C3553330, MONDO:0013835, OMIM 614643.

Submission:

Labcorp Genetics (formerly Invitae), Labcorp
Classification: Uncertain significance for Muscular dystrophy-dystroglycanopathy (congenital with brain and eye anomalies), type A, 7; Autosomal recessive limb-girdle muscular dystrophy type 2U. Last evaluated: 2022-08-07. Review status: criteria provided, single submitter. Criteria: Invitae Variant Classification Sherloc (09022015). Collection method: clinical testing. Allele origin: germline.
Comment: In summary, the available evidence is currently insufficient to determine the role of this variant in disease. Therefore, it has been classified as a Variant of Uncertain Significance. This variant disrupts a region of the ISPD protein in which other variant(s) (p.Thr27Pro) have been observed in individuals with ISPD-related conditions (PMID: 29382405). This suggests that this is a clinically significant region of the protein, and that variants that disrupt it are likely to be disease-causing. Experimental studies and prediction algorithms are not available or were not evaluated, and the functional significance of this variant is currently unknown. This variant has not been reported in the literature in individuals affected with ISPD-related conditions. This variant is not present in population databases (gnomAD no frequency). This sequence change affects the initiator methionine of the ISPD mRNA. The next in-frame methionine is located at codon 60.

Literature cited by the submitters: PubMed 29382405.